The following is an entry in ClinVar:

ClinVar aggregate classification (germline): Uncertain significance (1 of 4 stars; one submission).

Allele frequency attached by ClinVar (database versions not stated): TOPMed 0.00001; gnomAD 0.00002; ESP Exome Variant Server 0.00008; ExAC 0.00015; 1000 Genomes Project 30x 0.00016; 1000 Genomes Project 0.00020.
gnomAD v4.1: 80 of 1,613,438 alleles (0.005%); highest among the groups gnomAD compares: South Asian, 0.065%; no homozygotes.

Submission:

Labcorp Genetics (formerly Invitae), Labcorp
Classification: Uncertain significance. Last evaluated: 2022-06-27. Review status: criteria provided, single submitter. Criteria: Invitae Variant Classification Sherloc (09022015). Collection method: clinical testing. Allele origin: germline.
Comment: This sequence change replaces arginine, which is basic and polar, with cysteine, which is neutral and slightly polar, at codon 385 of the PUS1 protein (p.Arg385Cys). This variant is present in population databases (rs368258455, gnomAD 0.09%). This variant has not been reported in the literature in individuals affected with PUS1-related conditions. Algorithms developed to predict the effect of missense changes on protein structure and function are either unavailable or do not agree on the potential impact of this missense change (SIFT: "Deleterious"; PolyPhen-2: "Possibly Damaging"; Align-GVGD: "Class C0"). In summary, the available evidence is currently insufficient to determine the role of this variant in disease. Therefore, it has been classified as a Variant of Uncertain Significance.

NM_025215.6(PUS1):c.1153C>T (p.Arg385Cys)

Gene: PUS1 (pseudouridine synthase 1; plus strand). Cytogenetic location: 12q24.33.
Variant type: single nucleotide variant.
Coding change: c.1153C>T on transcript NM_025215.6 (MANE Select); coding-DNA position 1153, C replaced by T.
Protein change: p.Arg385Cys; replaces arginine 385 with cysteine.
Molecular consequence: missense variant.
Genome position (GRCh38, 1-based): chr12:131,941,900, C>T. VCF-style: chr12-131941900-C-T. GRCh37 (hg19) VCF-style: chr12-132426445-C-T.
Other names: c.1069C>T, p.Arg357Cys (NM_001002019.3, NM_001002020.3); short protein forms R385C, R357C.
Identifiers: ClinVar variation 2147862 (VCV002147862.1), dbSNP rs368258455, ClinGen allele CA6884333.